The following is an entry in ClinVar:

ClinVar aggregate classification (germline): Conflicting classifications of pathogenicity. Review status: criteria provided, conflicting classifications (1 of 4 stars). 7 submissions from 7 submitters: Likely pathogenic (1); Uncertain significance (6). Last evaluated 2025-07-24.

Conditions:
TTN-related disorder. Also called: TTN-related disorders; TTN-related condition; TTN-related disease.
Cardiovascular phenotype. Identifiers: MedGen CN230736.
Dilated cardiomyopathy 1G (CMD1G). Identifiers: Orphanet 154, MedGen C1858763, MONDO:0011400, OMIM 604145.
Autosomal recessive limb-girdle muscular dystrophy type 2J (LGMDR10). Also called: Limb-girdle muscular dystrophy, type 2J; MUSCULAR DYSTROPHY, LIMB-GIRDLE, AUTOSOMAL RECESSIVE 10. Identifiers: Orphanet 140922, MedGen C1837342, MONDO:0012127, OMIM 608807.
Cardiomyopathy (CMYO). Also called: Cardiomyopathies. Identifiers: Orphanet 167848, MedGen C0878544, MONDO:0004994, HP:0001638. Inheritance: Various modes of inheritance.

Submissions (7):

Molecular Diagnostic Laboratory for Inherited Cardiovascular Disease, Montreal Heart Institute
Classification: Uncertain significance for Cardiovascular phenotype. Last evaluated: 2025-07-24. Review status: criteria provided, single submitter. Criteria: ACMG Guidelines, 2015. Collection method: clinical testing. Allele origin: germline. Affected: yes.
Comment: PVS1_mod, PM2

Labcorp Genetics (formerly Invitae), Labcorp
Classification: Uncertain significance for Dilated cardiomyopathy 1G; Autosomal recessive limb-girdle muscular dystrophy type 2J. Last evaluated: 2025-02-20. Review status: criteria provided, single submitter. Criteria: Invitae Variant Classification Sherloc (09022015). Collection method: clinical testing. Allele origin: germline.
Comment: This sequence change falls in intron 295 of the TTN gene. It does not directly change the encoded amino acid sequence of the TTN protein. It affects a nucleotide within the consensus splice site. The frequency data for this variant in the population databases is considered unreliable, as metrics indicate poor data quality at this position in the gnomAD database. This variant has been observed in individual(s) with dilated cardiomyopathy (PMID: 28416588, 36396199). ClinVar contains an entry for this variant (Variation ID: 155850). Variants that disrupt the consensus splice site are a relatively common cause of aberrant splicing (PMID: 17576681, 9536098). Algorithms developed to predict the effect of sequence changes on RNA splicing suggest that this variant may disrupt the consensus splice site. This variant is located in the A band of TTN (PMID: 25589632). Variants in this region may be relevant for cardiac or neuromuscular disorders (PMID: 25589632, 23975875). In summary, the available evidence is currently insufficient to determine the role of this variant in disease. Therefore, it has been classified as a Variant of Uncertain Significance.

3billion
Classification: Uncertain significance for Dilated cardiomyopathy 1G. Last evaluated: 2024-09-09. Review status: criteria provided, single submitter. Criteria: ACMG Guidelines, 2015. Collection method: clinical testing. Allele origin: germline. Affected: yes.
Comment: The variant is observed at an extremely low frequency in the gnomAD v4.0.0 dataset (total allele frequency: <0.001%). Predicted Consequence/Location: Intron variant In silico tools predict the variant to alter splicing and produce an abnormal transcript [SpliceAI: 0.67 (>=0.2, moderate evidence for spliceogenicity)]. The variant has been reported as of uncertain significance (ClinVar ID: VCV000155850). Therefore, this variant is classified as VUS according to the recommendation of ACMG/AMP guideline.

Blueprint Genetics
Classification: Likely pathogenic for TTN-related disorders. Last evaluated: 2024-04-05. Review status: criteria provided, single submitter. Criteria: ACMG Guidelines, 2015. Collection method: clinical testing. Allele origin: germline. Affected: yes. Observed: 2 variant alleles.

CHEO Genetics Diagnostic Laboratory, Children's Hospital of Eastern Ontario
Classification: Uncertain significance for Cardiomyopathy. Last evaluated: 2023-03-17. Review status: criteria provided, single submitter. Criteria: ACMG Guidelines, 2015. Collection method: clinical testing. Allele origin: germline.

Ambry Genetics
Classification: Uncertain significance for Cardiovascular phenotype. Last evaluated: 2023-02-22. Review status: criteria provided, single submitter. Criteria: Ambry Variant Classification Scheme 2023. Collection method: clinical testing. Allele origin: germline.
Comment: The c.30652+5_30652+8delGTAA intronic variant, located in intron 122 of the TTN gene, results from a deletion of 4 nucleotides within intron 122 of the TTN gene. This alteration has been reported in a dilated cardiomyopathy (DCM) cohort; however, clinical details were limited (Dal Ferro M et al. Heart, 2017 Nov;103:1704-1710). This nucleotide region is well conserved in available vertebrate species. In silico splice site analysis predicts that this alteration will weaken the native splice donor site. Since supporting evidence is limited at this time, the clinical significance of this alteration remains unclear.

GeneDx
Classification: Uncertain significance. Last evaluated: 2019-08-06. Review status: criteria provided, single submitter. Criteria: GeneDx Variant Classification Process June 2021. Collection method: clinical testing. Allele origin: germline. Affected: yes.
Comment: Reported in an individual with DCM (Dal Ferro et al., 2017); Not observed in large population cohorts (Lek et al., 2016); Reported in ClinVar as a variant of uncertain significance (ClinVar Variant ID# 155850; Landrum et al., 2016); Occurs within the consensus splice donor site; in silico analysis, including splice predictors and evolutionary conservation, suggests this variant damages the splice donor site of intron 245 and predicts it will cause abnormal gene splicing. In the absence of RNA/functional studies, the actual effect of this sequence change is unknown.; Located in the A-band region of titin, where the majority of truncating pathogenic variants associated with DCM have been reported (Herman et al., 2012); This variant is associated with the following publications: (PMID: 28416588)

Literature cited by the submitters: PubMed 28416588 (cited by Labcorp Genetics (formerly Invitae), Labcorp and Ambry Genetics); PubMed 36396199 (cited by Labcorp Genetics (formerly Invitae), Labcorp); PubMed 17576681 (cited by Labcorp Genetics (formerly Invitae), Labcorp); PubMed 9536098 (cited by Labcorp Genetics (formerly Invitae), Labcorp); PubMed 25589632 (cited by Labcorp Genetics (formerly Invitae), Labcorp); PubMed 23975875 (cited by Labcorp Genetics (formerly Invitae), Labcorp).

NM_001267550.2(TTN):c.57847+5_57847+8del

Genes: TTN-AS1 (TTN antisense RNA 1; plus strand), TTN (titin; minus strand). Cytogenetic location: 2q31.2.
Variant type: Microsatellite.
Coding change: c.57847+5_57847+8del on transcript NM_001267550.2 (MANE Select); bases 5 to 8 of the intron after coding-DNA position 57847, 4 bases deleted (GTAA; older notation c.57847+5_57847+8delGTAA).
Molecular consequence: splice donor variant.
Genome position (GRCh38, 1-based): chr2:178,595,499-178,595,502, TTAC deleted on the plus strand (GTAA on the coding strand, the reverse complement: TTN is on the minus strand); deleting any 4 consecutive bases within chr2:178,595,499-178,595,509 gives the same sequence; the c. name uses the placement nearest the transcript's 3' end. VCF-style (leftmost placement, unchanged base first): chr2-178595498-TTTAC-T. GRCh37 (hg19) VCF-style: chr2-179460225-TTTAC-T.
Other names: c.57847+5_57847+8delGTAA (NM_001267550.2, NM_001267550.1); c.52924+5_52924+8delGTAA (NM_001256850.1); c.30652+5_30652+8del (NM_003319.4); c.31228+5_31228+8del (NM_133437.4); c.31027+5_31027+8del (NM_133432.3); c.50143+5_50143+8del (NM_133378.4); c.52924+5_52924+8del (NM_001256850.1); c.30652+5_30652+8delGTAA (NM_003319.4).
Identifiers: ClinVar variation 155850 (VCV000155850.17), dbSNP rs587782988, ClinGen allele CA345903.